The following is an entry in ClinVar:

ClinVar aggregate classification (germline): Pathogenic (1 of 4 stars; one submission).

Conditions:
Alstrom syndrome (ALMS). Identifiers: Orphanet 64, MedGen C0268425, MONDO:0008763, OMIM 203800.

gnomAD v4.1: 3 of 1,614,106 alleles (0.00019%); highest among the groups gnomAD compares: Non-Finnish European, 0.00025%; no homozygotes.

Submission:

Labcorp Genetics (formerly Invitae), Labcorp
Classification: Pathogenic for Alstrom syndrome. Last evaluated: 2020-09-17. Review status: criteria provided, single submitter. Criteria: Invitae Variant Classification Sherloc (09022015). Collection method: clinical testing. Allele origin: germline.
Comment: Loss-of-function variants in ALMS1 are known to be pathogenic (PMID: 17594715). This variant has not been reported in the literature in individuals with ALMS1-related conditions. This variant is not present in population databases (ExAC no frequency). This sequence change creates a premature translational stop signal (p.Glu2470*) in the ALMS1 gene. It is expected to result in an absent or disrupted protein product. For these reasons, this variant has been classified as Pathogenic.

Literature cited by the submitters: PubMed 17594715.

NM_001378454.1(ALMS1):c.7405G>T (p.Glu2469Ter)

Gene: ALMS1 (ALMS1 centrosome and basal body associated protein; plus strand). Cytogenetic location: 2p13.1.
Variant type: single nucleotide variant.
Coding change: c.7405G>T on transcript NM_001378454.1 (MANE Select); coding-DNA position 7405, G replaced by T.
Protein change: p.Glu2469Ter; replaces glutamic acid 2469 with a stop codon.
Molecular consequence: nonsense.
Genome position (GRCh38, 1-based): chr2:73,453,932, G>T. VCF-style: chr2-73453932-G-T. GRCh37 (hg19) VCF-style: chr2-73681059-G-T.
Other names: c.7408G>T, p.Glu2470Ter (NM_015120.4); short protein forms E2469*, E2470*.
Identifiers: ClinVar variation 1073409 (VCV001073409.7), dbSNP rs373586405, ClinGen allele CA347292401.